The following is an entry in ClinVar:

ClinVar aggregate classification (germline): Benign. Review status: criteria provided, multiple submitters, no conflicts (2 of 4 stars). 11 submissions from 11 submitters: Benign (9). 2 of the submissions do not count toward it. Last evaluated 2026-02-04.

Conditions:
Cardiovascular phenotype. Identifiers: MedGen CN230736.
Long QT syndrome (LQTS). Identifiers: MedGen C0023976, MeSH D008133, MONDO:0002442. Disease mechanism: loss of function. Inheritance: Various modes of inheritance.
Cardiac arrhythmia, ankyrin-B-related. Also called: ANKYRIN-B SYNDROME. Identifiers: Orphanet 101016, Orphanet 768, MedGen C1970119, MONDO:0010958, OMIM 600919.

Allele frequency attached by ClinVar (database versions not stated): gnomAD exomes 0.00173 and 0.00392; ExAC 0.00424; gnomAD 0.00908 and 0.00954; TOPMed 0.01016; ESP Exome Variant Server 0.01023; 1000 Genomes Project 30x 0.01093; 1000 Genomes Project 0.01178.
gnomAD v4.1: 4,073 of 1,614,106 alleles (0.25%); highest among the groups gnomAD compares: African/African-American, 2.9%; 55 homozygotes.

Submissions (11):

Labcorp Genetics (formerly Invitae), Labcorp
Classification: Benign for Long QT syndrome. Last evaluated: 2026-02-04. Review status: criteria provided, single submitter. Criteria: Invitae Variant Classification Sherloc (09022015). Collection method: clinical testing. Allele origin: germline.

Molecular Diagnostic Laboratory for Inherited Cardiovascular Disease, Montreal Heart Institute
Classification: Benign. Last evaluated: 2025-04-09. Review status: criteria provided, single submitter. Criteria: ACMG Guidelines, 2015. Collection method: clinical testing. Allele origin: germline. Affected: no.

Genome-Nilou Lab
Classification: Benign for Cardiac arrhythmia, ankyrin-B-related. Last evaluated: 2021-12-05. Review status: criteria provided, single submitter. Criteria: ACMG Guidelines, 2015. Collection method: clinical testing. Allele origin: germline. Affected: no.

ARUP Laboratories, Molecular Genetics and Genomics, ARUP Laboratories
Classification: Benign. Last evaluated: 2020-12-17. Review status: criteria provided, single submitter. Criteria: ARUP Molecular Germline Variant Investigation Process 2021. Collection method: clinical testing. Allele origin: germline.

Illumina Laboratory Services, Illumina
Classification: Benign for Cardiac arrhythmia, ankyrin-B-related. Last evaluated: 2018-01-13. Review status: criteria provided, single submitter. Criteria: ICSL Variant Classification Criteria 13 December 2019. Collection method: clinical testing. Allele origin: germline.
Comment: This variant was observed in the ICSL laboratory as part of a predisposition screen in an ostensibly healthy population. It had not been previously curated by ICSL or reported in the Human Gene Mutation Database (HGMD: prior to June 1st, 2018), and was therefore a candidate for classification through an automated scoring system. Utilizing variant allele frequency, disease prevalence and penetrance estimates, and inheritance mode, an automated score was calculated to assess if this variant is too frequent to cause the disease. Based on the score and internal cut-off values, a variant classified as benign is not then subjected to further curation. The score for this variant resulted in a classification of benign for this disease.

Ambry Genetics
Classification: Benign for Cardiovascular phenotype. Last evaluated: 2015-08-07. Review status: criteria provided, single submitter. Criteria: Ambry Variant Classification Scheme 2023. Collection method: clinical testing. Allele origin: germline.

Mayo Clinic Laboratories, Mayo Clinic
Classification: Benign. Last evaluated: 2015-01-02. Review status: criteria provided, single submitter. Criteria: ACMG Guidelines, 2015. Collection method: clinical testing. Allele origin: germline. Observed: 8 variant alleles.

GeneDx
Classification: Benign. Last evaluated: 2012-04-04. Review status: criteria provided, single submitter. Criteria: GeneDx Variant Classification (06012015). Collection method: clinical testing. Allele origin: germline. Affected: yes.
Comment: This variant is considered likely benign or benign based on one or more of the following criteria: it is a conservative change, it occurs at a poorly conserved position in the protein, it is predicted to be benign by multiple in silico algorithms, and/or has population frequency not consistent with disease.

Breakthrough Genomics
Classification: Benign. Review status: criteria provided, single submitter. Criteria: ACMG Guidelines, 2015. Collection method: not provided. Allele origin: germline. Inheritance: Autosomal dominant inheritance. Affected: yes.

Clinical Genetics, Academic Medical Center
Classification: Benign. Review status: no assertion criteria provided. Collection method: clinical testing. Allele origin: germline. Affected: yes. Study: VKGL Data-share Consensus. Not counted in ClinVar's aggregate classification.

Joint Genome Diagnostic Labs from Nijmegen and Maastricht, Radboudumc and MUMC+
Classification: Benign. Review status: no assertion criteria provided. Collection method: clinical testing. Allele origin: germline. Affected: yes. Study: VKGL Data-share Consensus. Not counted in ClinVar's aggregate classification.

NM_001148.6(ANK2):c.11790C>T (p.Ile3930=)

Gene: ANK2 (ankyrin 2; plus strand). Cytogenetic location: 4q26.
Variant type: single nucleotide variant.
Coding change: c.11790C>T on transcript NM_001148.6 (MANE Select); coding-DNA position 11790, C replaced by T.
Protein change: p.Ile3930=; no amino-acid change (isoleucine 3930 retained).
Molecular consequence: synonymous variant. On other transcripts: intron variant (9).
Genome position (GRCh38, 1-based): chr4:113,373,380, C>T. VCF-style: chr4-113373380-C-T. GRCh37 (hg19) VCF-style: chr4-114294536-C-T.
Other names: p.I3930I:ATC>ATT; p.Ile1845=; c.5508C>T, p.Ile1836= (NM_001127493.3); c.5547C>T, p.Ile1849= (NM_001354225.2); c.5529C>T, p.Ile1843= (NM_001354228.2); c.5514C>T, p.Ile1838= (NM_001354230.2); c.5670C>T, p.Ile1890= (NM_001354231.2); c.5664C>T, p.Ile1888= (NM_001354232.2); and 54 more.
Identifiers: ClinVar variation 136398 (VCV000136398.34), dbSNP rs45517840, ClinGen allele CA289470.